The following is an entry in ClinVar:

ClinVar aggregate classification (germline): Likely pathogenic (1 of 4 stars; one submission).

Conditions:
KMT2D-related disorder. Also called: KMT2D-Related Disorders.

Submission:

PreventionGenetics, part of Exact Sciences
Classification: Likely pathogenic for KMT2D-related condition. Last evaluated: 2023-03-28. Review status: criteria provided, single submitter. Criteria: ACMG Guidelines, 2015. Collection method: clinical testing. Allele origin: germline.
Comment: The KMT2D c.10957G>T variant is predicted to result in premature protein termination (p.Gly3653*). To our knowledge, this variant has not been reported in the literature or in a large population database, indicating this variant is rare. Nonsense variants in KMT2D are expected to be pathogenic. This variant is interpreted as likely pathogenic.

NM_003482.4(KMT2D):c.10957G>T (p.Gly3653Ter)

Gene: KMT2D (lysine methyltransferase 2D; minus strand). Cytogenetic location: 12q13.12.
Variant type: single nucleotide variant.
Coding change: c.10957G>T on transcript NM_003482.4 (MANE Select); coding-DNA position 10957, G replaced by T.
Protein change: p.Gly3653Ter; replaces glycine 3653 with a stop codon.
Molecular consequence: nonsense.
Genome position (GRCh38, 1-based): chr12:49,033,748, C>A on the plus strand (G>T on the coding strand, the complement: KMT2D is on the minus strand). VCF-style: chr12-49033748-C-A. GRCh37 (hg19) VCF-style: chr12-49427531-C-A.
Other names: short protein forms G3653*.
Identifiers: ClinVar variation 2630320 (VCV002630320.1), dbSNP rs780464972, ClinGen allele CA384724629.